The following is an entry in ClinVar:

NM_000020.3(ACVRL1):c.1095C>T (p.Gly365=)

Gene: ACVRL1 (activin A receptor like type 1; plus strand). Cytogenetic location: 12q13.13.
Variant type: single nucleotide variant.
Coding change: c.1095C>T on transcript NM_000020.3 (MANE Select); coding-DNA position 1095, C replaced by T.
Protein change: p.Gly365=; no amino-acid change (glycine 365 retained).
Molecular consequence: synonymous variant.
Genome position (GRCh38, 1-based): chr12:51,916,082, C>T. VCF-style: chr12-51916082-C-T. GRCh37 (hg19) VCF-style: chr12-52309866-C-T.
Other names: c.1095C>T, p.Gly365= (NM_001077401.2).
Identifiers: ClinVar variation 1339291 (VCV001339291.1), dbSNP rs367544123, ClinGen allele CA6573067.

ClinVar aggregate classification (germline): Likely benign (1 of 4 stars; one submission).

Allele frequency attached by ClinVar (database versions not stated): gnomAD exomes below 0.00001; TOPMed below 0.00001; ExAC 0.00001; ESP Exome Variant Server 0.00008.

Submission:

Phosphorus, Inc.
Classification: Likely benign. Last evaluated: 2022-01-19. Review status: criteria provided, single submitter. Criteria: ACMG Guidelines, 2015. Collection method: clinical testing. Allele origin: germline. Inheritance: Autosomal dominant inheritance.
Comment: This synonymous variant has no entry in ClinVar and has occurred in GnomAD with a total MAF of 0.0004% (NM_000020.2). This position is not conserved. In silico splicing algorithm was unavailable, however it is not predicted to impact splicing due to its distance from the splice site. No functional studies were performed to confirm this prediction. The variant has not occurred in literature associated with disease. Considering the above evidence, this variant has been classified as Likely Benign.